The following is an entry in ClinVar:

NM_001295.3(CCR1):c.858G>A (p.Thr286=)

Gene: CCR1 (C-C motif chemokine receptor 1; minus strand). Cytogenetic location: 3p21.31.
Variant type: single nucleotide variant.
Coding change: c.858G>A on transcript NM_001295.3 (MANE Select); coding-DNA position 858, G replaced by A.
Protein change: p.Thr286=; no amino-acid change (threonine 286 retained).
Molecular consequence: synonymous variant.
Genome position (GRCh38, 1-based): chr3:46,203,456, C>T on the plus strand (G>A on the coding strand, the complement: CCR1 is on the minus strand). VCF-style: chr3-46203456-C-T. GRCh37 (hg19) VCF-style: chr3-46244947-C-T.
Identifiers: ClinVar variation 2653731 (VCV002653731.24), dbSNP rs200000908, ClinGen allele CA2353869.

ClinVar aggregate classification (germline): Likely benign (1 of 4 stars; one submission).

Allele frequency attached by ClinVar (database versions not stated): gnomAD 0.00001; ExAC 0.00002; gnomAD exomes 0.00002; TOPMed 0.00003.
gnomAD v4.1: 25 of 1,614,126 alleles (0.0015%); highest among the groups gnomAD compares: East Asian, 0.02%; no homozygotes.

Submission:

CeGaT Center for Human Genetics Tuebingen
Classification: Likely benign. Last evaluated: 2022-10-01. Review status: criteria provided, single submitter. Criteria: CeGaT Center For Human Genetics Tuebingen Variant Classification Criteria Version 2. Collection method: clinical testing. Allele origin: germline. Affected: yes. Observed: 1 variant allele.
Comment: CCR1: BP4, BP7